The following is an entry in ClinVar:

NM_000257.4(MYH7):c.2409G>A (p.Lys803=)

Genes: MYH7 (myosin heavy chain 7; minus strand), LOC126861898 (BRD4-independent group 4 enhancer GRCh37_chr14:23893609-23894808; plus strand). Cytogenetic location: 14q11.2.
Variant type: single nucleotide variant.
Coding change: c.2409G>A on transcript NM_000257.4 (MANE Select); coding-DNA position 2409, G replaced by A.
Protein change: p.Lys803=; no amino-acid change (lysine 803 retained).
Molecular consequence: synonymous variant.
Genome position (GRCh38, 1-based): chr14:23,425,296, C>T on the plus strand (G>A on the coding strand, the complement: MYH7 is on the minus strand). VCF-style: chr14-23425296-C-T. GRCh37 (hg19) VCF-style: chr14-23894505-C-T.
Other names: c.2409G>A, p.Lys803= (NM_001407004.1).
Identifiers: ClinVar variation 3387336 (VCV003387336.1).

ClinVar aggregate classification (germline): Likely benign (1 of 4 stars; one submission).

Conditions:
Cardiomyopathy (CMYO). Also called: Cardiomyopathies. Identifiers: Orphanet 167848, MedGen C0878544, MONDO:0004994, HP:0001638. Inheritance: Various modes of inheritance.

gnomAD v4.1: 1 of 1,614,182 alleles (0.000062%); highest among the groups gnomAD compares: Non-Finnish European, 0.000085%; no homozygotes.

Submission:

All of Us Research Program, National Institutes of Health
Classification: Likely benign for Cardiomyopathy. Last evaluated: 2024-07-20. Review status: criteria provided, single submitter. Criteria: ACMG Guidelines, 2015. Collection method: clinical testing. Allele origin: germline. Inheritance: Autosomal dominant inheritance. Observed: 1 variant allele, 1 heterozygote.
Comment: This study involves interpretation of variants in research participants for the purpose of population health screening. Participant phenotype was not available at the time of variant classification. Additional details can be found in publication PMID: 35346344, PMCID: PMC8962531